The following is an entry in ClinVar:

ClinVar aggregate classification (germline): Pathogenic/Likely pathogenic. Review status: criteria provided, multiple submitters, no conflicts (2 of 4 stars). 2 submissions from 2 submitters: Pathogenic (1); Likely pathogenic (1). Last evaluated 2022-10-23.

Conditions:
Global developmental delay (DD). Also called: Cognitive delay. Identifiers: MedGen C0557874, HP:0001263. Disease mechanism: loss of function.
Intellectual disability. Also called: Intellectual functioning disability; intellectual disabilities; Intellectual developmental disorder. Identifiers: MedGen C3714756, MeSH D008607, MONDO:0001071, HP:0001249.

Submissions (2):

GeneDx
Classification: Pathogenic. Last evaluated: 2022-10-23. Review status: criteria provided, single submitter. Criteria: GeneDx Variant Classification Process June 2021. Collection method: clinical testing. Allele origin: germline. Affected: yes.
Comment: Not observed in large population cohorts (gnomAD); In silico analysis supports that this missense variant has a deleterious effect on protein structure/function; This variant is associated with the following publications: (PMID: 33944996)

Institute for Human Genetics, University Hospital Essen
Classification: Likely pathogenic for Global developmental delay; Intellectual disability. Last evaluated: 2021-01-18. Review status: criteria provided, single submitter. Criteria: ACMG Guidelines, 2015. Collection method: research. Allele origin: de novo. Affected: yes.

Literature cited by the submitters: PubMed 33944996 (cited by Institute for Human Genetics, University Hospital Essen).

NM_015557.3(CHD5):c.2735C>T (p.Ser912Phe)

Gene: CHD5 (chromodomain helicase DNA binding protein 5; minus strand). Cytogenetic location: 1p36.31.
Variant type: single nucleotide variant.
Coding change: c.2735C>T on transcript NM_015557.3 (MANE Select); coding-DNA position 2735, C replaced by T.
Protein change: p.Ser912Phe; replaces serine 912 with phenylalanine.
Molecular consequence: missense variant.
Genome position (GRCh38, 1-based): chr1:6,135,365, G>A on the plus strand (C>T on the coding strand, the complement: CHD5 is on the minus strand). VCF-style: chr1-6135365-G-A. GRCh37 (hg19) VCF-style: chr1-6195425-G-A.
Other names: c.2735C>T (NM_015557.2); short protein forms S912F.
Identifiers: ClinVar variation 995780 (VCV000995780.4), dbSNP rs1474624774, ClinGen allele CA338078898.